The following is an entry in ClinVar:

NM_007294.4(BRCA1):c.4566C>G (p.Tyr1522Ter)

Gene: BRCA1 (BRCA1 DNA repair associated; minus strand). Cytogenetic location: 17q21.31.
Variant type: single nucleotide variant.
Coding change: c.4566C>G on transcript NM_007294.4 (MANE Select); coding-DNA position 4566, C replaced by G.
Protein change: p.Tyr1522Ter; replaces tyrosine 1522 with a stop codon.
Molecular consequence: nonsense. On other transcripts: non-coding transcript variant (1).
Genome position (GRCh38, 1-based): chr17:43,074,440, G>C on the plus strand (C>G on the coding strand, the complement: BRCA1 is on the minus strand). VCF-style: chr17-43074440-G-C. GRCh37 (hg19) VCF-style: chr17-41226457-G-C.
Other names: 4685C>G; c.4353C>G, p.Tyr1451Ter (NM_001407571.1, NM_001407894.1, NM_001407895.1 and 12 more transcripts); c.4632C>G, p.Tyr1544Ter (NM_001407581.1, NM_001407582.1); c.4629C>G, p.Tyr1543Ter (NM_001407583.1, NM_001407585.1, NM_001407587.1 and 1 more transcripts); c.4626C>G, p.Tyr1542Ter (NM_001407590.1, NM_001407591.1); c.4566C>G, p.Tyr1522Ter (NM_001407593.1, NM_001407594.1, NM_001407596.1 and 8 more transcripts); c.4563C>G, p.Tyr1521Ter (NM_001407610.1, NM_001407611.1, NM_001407622.1 and 17 more transcripts); c.4560C>G, p.Tyr1520Ter (NM_001407627.1, NM_001407628.1, NM_001407629.1 and 14 more transcripts); and 70 more; short protein forms Y1522*, Y418*, Y1475*, Y1543*, Y1226*, Y1393*, Y1409*, Y1411*.
Identifiers: ClinVar variation 266481 (VCV000266481.8), dbSNP rs886040234, ClinGen allele CA10589658.

ClinVar aggregate classification (germline): Pathogenic. Review status: reviewed by expert panel (3 of 4 stars). 3 submissions from 3 submitters: Pathogenic (1). 2 of the submissions do not count toward it. Last evaluated 2016-10-18.

Conditions:
Breast-ovarian cancer, familial, susceptibility to, 1 (BROVCA1). Also called: BRCA1 Hereditary Breast and Ovarian Cancer; OVARIAN CANCER, SUSCEPTIBILITY TO. Identifiers: Orphanet 145, MedGen C2676676, MONDO:0011450, OMIM 604370. Disease mechanism: loss of function.

Submissions (3):

Evidence-based Network for the Interpretation of Germline Mutant Alleles (ENIGMA)
Classification: Pathogenic for Breast-ovarian cancer, familial, susceptibility to, 1. Last evaluated: 2016-10-18. Review status: reviewed by expert panel. Criteria: ENIGMA BRCA1/2 Classification Criteria (2015). Collection method: curation. Allele origin: germline.
Comment: Variant allele predicted to encode a truncated non-functional protein.

Consortium of Investigators of Modifiers of BRCA1/2 (CIMBA), c/o University of Cambridge
Classification: Pathogenic for Breast-ovarian cancer, familial, susceptibility to, 1. Last evaluated: 2015-10-02. Review status: criteria provided, single submitter. Criteria: CIMBA Mutation Classification guidelines May 2016. Collection method: clinical testing. Allele origin: germline. Not counted in ClinVar's aggregate classification.

KCCC/NGS Laboratory, Kuwait Cancer Control Center
Classification: Pathogenic for Breast-ovarian cancer, familial, susceptibility to, 1. Last evaluated: 2023-05-01. Review status: no assertion criteria provided. Collection method: clinical testing. Allele origin: germline. Inheritance: Autosomal dominant inheritance. Affected: yes. Observed: 1 heterozygote. Not counted in ClinVar's aggregate classification.
Comment: A known pathogenic variant was detected in the BRCA1 gene (p.Tyr1543Ter). This sequence change creates a premature translational stop signal (p.Tyr1543Ter) in the BRCA1 gene. It is expected to result in an absent or disrupted protein product. This variant is not present in population databases (gnomAD). ClinVar contains an entry for this variant (Variation ID: 266481) with 2 submissions describing this variant as pathogenic, 3 stars, no conflict, and reviewed by expert panel. Loss-of-function variants in BRCA1 are known to be pathogenic (PMID: 20104584). Therefore, this variant has been classified as Pathogenic. This variant was confirmed by Sanger sequencing .